The following is an entry in ClinVar:

NM_173354.5(SIK1):c.1915G>A (p.Gly639Ser)

Gene: SIK1 (salt inducible kinase 1; minus strand). Cytogenetic location: 21q22.3.
Variant type: single nucleotide variant.
Coding change: c.1915G>A on transcript NM_173354.5 (MANE Select); coding-DNA position 1915, G replaced by A.
Protein change: p.Gly639Ser; replaces glycine 639 with serine.
Molecular consequence: missense variant.
Genome position (GRCh38, 1-based): chr21:43,417,604, C>T on the plus strand (G>A on the coding strand, the complement: SIK1 is on the minus strand). VCF-style: chr21-43417604-C-T. GRCh37 (hg19) VCF-style: chr21-44837484-C-T.
Other names: short protein forms G639S.
Identifiers: ClinVar variation 659253 (VCV000659253.23), dbSNP rs780476959, ClinGen allele CA321324818.
Genomic context (GRCh38, chr21:43,417,604, plus strand): 5'-TCTGCTGCTCTAGCACCTCCTCCAGCAGGCTCCAGCCCTCCCGGCTGCCGGCTGCGCCGC[C>T]GTGCAGGCCTGGGCTCTGTGCAGGGGCGTGGAAGGGGCTCAGGCCGCCCCTGCTGGCCCG-3'
Protein context (NP_775490.2, residues 629-649): HAPAQSPGLH[Gly639Ser]GAAGSREGWS

ClinVar aggregate classification (germline): Conflicting classifications of pathogenicity. Review status: criteria provided, conflicting classifications (1 of 4 stars). 2 submissions from 2 submitters: Uncertain significance (1); Likely benign (1). Last evaluated 2026-07-01.

Conditions:
Developmental and epileptic encephalopathy, 30 (DEE30). Also called: Epileptic encephalopathy, early infantile, 30. Identifiers: MedGen C4225360, MONDO:0014595, OMIM 616341.

Allele frequency attached by ClinVar (database versions not stated): ExAC 0.00004; gnomAD 0.00005 and 0.00006; gnomAD exomes 0.00007.

Submissions (2):

CeGaT Center for Human Genetics Tuebingen
Classification: Likely benign. Last evaluated: 2026-07-01. Review status: criteria provided, single submitter. Criteria: CeGaT Center For Human Genetics Tuebingen Variant Classification Criteria Version 2. Collection method: clinical testing. Allele origin: germline. Affected: yes. Observed: 2 variant alleles.
Comment: SIK1: BS1

Labcorp Genetics (formerly Invitae), Labcorp
Classification: Uncertain significance for Developmental and epileptic encephalopathy, 30. Last evaluated: 2025-08-11. Review status: criteria provided, single submitter. Criteria: Invitae Variant Classification Sherloc (09022015). Collection method: clinical testing. Allele origin: germline.
Comment: This sequence change replaces glycine, which is neutral and non-polar, with serine, which is neutral and polar, at codon 639 of the SIK1 protein (p.Gly639Ser). This variant is present in population databases (rs780476959, gnomAD 0.01%). This missense change has been observed in individual(s) with clinical features of SIK1-related conditions (internal data). ClinVar contains an entry for this variant (Variation ID: 659253). Invitae Evidence Modeling of protein sequence and biophysical properties (such as structural, functional, and spatial information, amino acid conservation, physicochemical variation, residue mobility, and thermodynamic stability) indicates that this missense variant is not expected to disrupt SIK1 protein function with a negative predictive value of 95%. In summary, the available evidence is currently insufficient to determine the role of this variant in disease. Therefore, it has been classified as a Variant of Uncertain Significance.